The following is an entry in ClinVar:

NM_001077653.2(TBX20):c.281G>A (p.Ser94Asn)

Gene: TBX20 (T-box transcription factor 20; minus strand). Cytogenetic location: 7p14.2.
Variant type: single nucleotide variant.
Coding change: c.281G>A on transcript NM_001077653.2 (MANE Select); coding-DNA position 281, G replaced by A.
Protein change: p.Ser94Asn; replaces serine 94 with asparagine.
Molecular consequence: missense variant.
Genome position (GRCh38, 1-based): chr7:35,250,050, C>T on the plus strand (G>A on the coding strand, the complement: TBX20 is on the minus strand). VCF-style: chr7-35250050-C-T. GRCh37 (hg19) VCF-style: chr7-35289662-C-T.
Other names: c.281G>A, p.Ser94Asn (NM_001166220.1); short protein forms S94N.
Identifiers: ClinVar variation 2579373 (VCV002579373.1), dbSNP rs2546997363, ClinGen allele CA367265106.

ClinVar aggregate classification (germline): Uncertain significance (1 of 4 stars; one submission).

Submission:

GeneDx
Classification: Uncertain significance. Last evaluated: 2023-03-06. Review status: criteria provided, single submitter. Criteria: GeneDx Variant Classification Process June 2021. Collection method: clinical testing. Allele origin: germline. Affected: yes.
Comment: Not observed at significant frequency in large population cohorts (gnomAD); In silico analysis supports that this missense variant does not alter protein structure/function; Has not been previously published as pathogenic or benign to our knowledge